The following is an entry in ClinVar:

ClinVar aggregate classification (germline): Uncertain significance (1 of 4 stars; one submission).

Conditions:
Pitt-Hopkins syndrome (PTHS). Also called: ENCEPHALOPATHY, SEVERE EPILEPTIC, WITH AUTONOMIC DYSFUNCTION; MENTAL RETARDATION, SYNDROMAL, WITH INTERMITTENT HYPERVENTILATION. Identifiers: Orphanet 2896, MedGen C1970431, MONDO:0012589, OMIM 610954.

Allele frequency attached by ClinVar (database versions not stated): ExAC 0.00001; gnomAD 0.00001.
gnomAD v4.1: 2 of 1,613,452 alleles (0.00012%); highest among the groups gnomAD compares: African/African-American, 0.0027%; no homozygotes.

Submission:

Labcorp Genetics (formerly Invitae), Labcorp
Classification: Uncertain significance for Pitt-Hopkins syndrome. Last evaluated: 2020-08-21. Review status: criteria provided, single submitter. Criteria: Invitae Variant Classification Sherloc (09022015). Collection method: clinical testing. Allele origin: germline.
Comment: This sequence change replaces alanine with valine at codon 444 of the TCF4 protein (p.Ala444Val). The alanine residue is moderately conserved and there is a small physicochemical difference between alanine and valine. This variant is present in population databases (rs761498822, ExAC 0.01%). This variant has not been reported in the literature in individuals with TCF4-related conditions. Algorithms developed to predict the effect of missense changes on protein structure and function (SIFT, PolyPhen-2, Align-GVGD) all suggest that this variant is likely to be tolerated, but these predictions have not been confirmed by published functional studies and their clinical significance is uncertain. In summary, the available evidence is currently insufficient to determine the role of this variant in disease. Therefore, it has been classified as a Variant of Uncertain Significance.

NM_001083962.2(TCF4):c.1331C>T (p.Ala444Val)

Gene: TCF4 (transcription factor 4; minus strand). Cytogenetic location: 18q21.2.
Variant type: single nucleotide variant.
Coding change: c.1331C>T on transcript NM_001083962.2 (MANE Select); coding-DNA position 1331, C replaced by T.
Protein change: p.Ala444Val; replaces alanine 444 with valine.
Molecular consequence: missense variant.
Genome position (GRCh38, 1-based): chr18:55,254,516, G>A on the plus strand (C>T on the coding strand, the complement: TCF4 is on the minus strand). VCF-style: chr18-55254516-G-A. GRCh37 (hg19) VCF-style: chr18-52921747-G-A.
Other names: c.1205C>T, p.Ala402Val (NM_001243231.2, NM_001348211.2); c.1118C>T, p.Ala373Val (NM_001243232.1, NM_001306208.1); c.941C>T, p.Ala314Val (NM_001243233.2, NM_001330605.3, NM_001348212.2 and 1 more transcripts); c.851C>T, p.Ala284Val (NM_001243234.2, NM_001243235.2, NM_001243236.2 and 1 more transcripts); c.1259C>T, p.Ala420Val (NM_001306207.1, NM_001369575.1, NM_001369582.1 and 5 more transcripts); c.1328C>T, p.Ala443Val (NM_001330604.3, NM_001369573.1, NM_001369574.1 and 2 more transcripts); c.848C>T, p.Ala283Val (NM_001348214.2); c.683C>T, p.Ala228Val (NM_001348215.2); and 6 more; short protein forms A373V, A441V, A283V, A420V, A443V, A444V, A450V, A314V.
Identifiers: ClinVar variation 1040222 (VCV001040222.8), dbSNP rs761498822, ClinGen allele CA8970230.